The following is an entry in ClinVar:

ClinVar aggregate classification (germline): Uncertain significance (1 of 4 stars; one submission).

Conditions:
Mitochondrial complex II deficiency, nuclear type 1. Also called: SUCCINATE CoQ REDUCTASE DEFICIENCY. Identifiers: Orphanet 3208, MedGen C5700310, MONDO:0100294, OMIM 252011.
Pheochromocytoma/paraganglioma syndrome 5. Also called: Paragangliomas 5; SDHA-Related Hereditary Paraganglioma-Pheochromocytoma Syndrome. Identifiers: Orphanet 29072, MedGen C3279992, MONDO:0013602, OMIM 614165.

Submission:

Labcorp Genetics (formerly Invitae), Labcorp
Classification: Uncertain significance for Pheochromocytoma/paraganglioma syndrome 5; Mitochondrial complex II deficiency, nuclear type 1. Last evaluated: 2022-09-03. Review status: criteria provided, single submitter. Criteria: Invitae Variant Classification Sherloc (09022015). Collection method: clinical testing. Allele origin: germline.
Comment: In summary, the available evidence is currently insufficient to determine the role of this variant in disease. Therefore, it has been classified as a Variant of Uncertain Significance. Algorithms developed to predict the effect of missense changes on protein structure and function are either unavailable or do not agree on the potential impact of this missense change (SIFT: "Deleterious"; PolyPhen-2: "Possibly Damaging"; Align-GVGD: "Class C0"). This variant has not been reported in the literature in individuals affected with SDHA-related conditions. This variant is not present in population databases (gnomAD no frequency). This sequence change replaces cysteine, which is neutral and slightly polar, with phenylalanine, which is neutral and non-polar, at codon 536 of the SDHA protein (p.Cys536Phe).

NM_004168.4(SDHA):c.1607G>T (p.Cys536Phe)

Gene: SDHA (succinate dehydrogenase complex flavoprotein subunit A; plus strand). Cytogenetic location: 5p15.33.
Variant type: single nucleotide variant.
Coding change: c.1607G>T on transcript NM_004168.4 (MANE Select); coding-DNA position 1607, G replaced by T.
Protein change: p.Cys536Phe; replaces cysteine 536 with phenylalanine.
Molecular consequence: missense variant. On other transcripts: intron variant (1).
Genome position (GRCh38, 1-based): chr5:251,047, G>T. VCF-style: chr5-251047-G-T. GRCh37 (hg19) VCF-style: chr5-251162-G-T.
Other names: c.1463G>T, p.Cys488Phe (NM_001294332.2); c.1552-3346G>T (NM_001330758.2); short protein forms C488F, C536F.
Identifiers: ClinVar variation 1718721 (VCV001718721.6), dbSNP rs1736789855, ClinGen allele CA358998550.